The following is an entry in ClinVar:

ClinVar aggregate classification (germline): Uncertain significance (1 of 4 stars; one submission).

gnomAD v4.1: 1 of 1,614,200 alleles (0.000062%); highest among the groups gnomAD compares: Non-Finnish European, 0.000085%; no homozygotes.

Submission:

GeneDx
Classification: Uncertain significance. Last evaluated: 2025-06-18. Review status: criteria provided, single submitter. Criteria: GeneDx Variant Classification Process June 2021. Collection method: clinical testing. Allele origin: germline. Affected: yes.
Comment: Not observed at significant frequency in large population cohorts (gnomAD); In silico analysis suggests that this missense variant does not alter protein structure/function; Has not been previously published as pathogenic or benign to our knowledge

NM_005422.4(TECTA):c.92T>C (p.Phe31Ser)

Genes: TBCEL-TECTA (TBCEL-TECTA readthrough; plus strand), TECTA (tectorin alpha; plus strand). Cytogenetic location: 11q23.3.
Variant type: single nucleotide variant.
Coding change: c.92T>C on transcript NM_005422.4 (MANE Select); coding-DNA position 92, T replaced by C.
Protein change: p.Phe31Ser; replaces phenylalanine 31 with serine.
Molecular consequence: missense variant.
Genome position (GRCh38, 1-based): chr11:121,105,858, T>C. VCF-style: chr11-121105858-T-C. GRCh37 (hg19) VCF-style: chr11-120976567-T-C.
Other names: c.1049T>C, p.Phe350Ser (NM_001378761.1); short protein forms F31S, F350S.
Identifiers: ClinVar variation 4538868 (VCV004538868.1).